The following is an entry in ClinVar:

NM_000057.4(BLM):c.4151A>G (p.His1384Arg)

Gene: BLM (BLM RecQ like helicase; plus strand). Cytogenetic location: 15q26.1.
Variant type: single nucleotide variant.
Coding change: c.4151A>G on transcript NM_000057.4 (MANE Select); coding-DNA position 4151, A replaced by G.
Protein change: p.His1384Arg; replaces histidine 1384 with arginine.
Molecular consequence: missense variant.
Genome position (GRCh38, 1-based): chr15:90,815,176, A>G. VCF-style: chr15-90815176-A-G. GRCh37 (hg19) VCF-style: chr15-91358406-A-G.
Other names: c.4151A>G, p.His1384Arg (NM_001287246.2); c.3758A>G, p.His1253Arg (NM_001287247.2); c.3026A>G, p.His1009Arg (NM_001287248.2); short protein forms H1009R, H1384R, H1253R.
Identifiers: ClinVar variation 824630 (VCV000824630.6), dbSNP rs199592406, ClinGen allele CA7739207.

ClinVar aggregate classification (germline): Uncertain significance. Review status: criteria provided, multiple submitters, no conflicts (2 of 4 stars). 2 submissions from 2 submitters: Uncertain significance (2). Last evaluated 2024-07-30.

Conditions:
Hereditary cancer-predisposing syndrome. Also called: Neoplastic Syndromes, Hereditary; Tumor predisposition; Hereditary neoplastic syndrome; Hereditary Cancer Syndrome. Identifiers: Orphanet 140162, MedGen C0027672, MeSH D009386, MONDO:0015356.
Bloom syndrome (BLM). Also called: Bloom-Torre-Machacek syndrome. Identifiers: Orphanet 125, MedGen C0005859, MONDO:0008876, OMIM 210900.

Allele frequency attached by ClinVar (database versions not stated): gnomAD exomes below 0.00001 and 0.00001; ExAC 0.00001; gnomAD 0.00001; 1000 Genomes Project 30x 0.00016; 1000 Genomes Project 0.00020.

Submissions (2):

Labcorp Genetics (formerly Invitae), Labcorp
Classification: Uncertain significance for Bloom syndrome. Last evaluated: 2024-07-30. Review status: criteria provided, single submitter. Criteria: Invitae Variant Classification Sherloc (09022015). Collection method: clinical testing. Allele origin: germline.
Comment: This sequence change replaces histidine, which is basic and polar, with arginine, which is basic and polar, at codon 1384 of the BLM protein (p.His1384Arg). This variant is present in population databases (rs199592406, gnomAD 0.006%). This variant has not been reported in the literature in individuals affected with BLM-related conditions. ClinVar contains an entry for this variant (Variation ID: 824630). Advanced modeling of protein sequence and biophysical properties (such as structural, functional, and spatial information, amino acid conservation, physicochemical variation, residue mobility, and thermodynamic stability) performed at Invitae indicates that this missense variant is not expected to disrupt BLM protein function with a negative predictive value of 80%. In summary, the available evidence is currently insufficient to determine the role of this variant in disease. Therefore, it has been classified as a Variant of Uncertain Significance.

Ambry Genetics
Classification: Uncertain significance for Hereditary cancer-predisposing syndrome. Last evaluated: 2023-11-11. Review status: criteria provided, single submitter. Criteria: Ambry Variant Classification Scheme 2023. Collection method: clinical testing. Allele origin: germline.
Comment: The p.H1384R variant (also known as c.4151A>G), located in coding exon 21 of the BLM gene, results from an A to G substitution at nucleotide position 4151. The histidine at codon 1384 is replaced by arginine, an amino acid with highly similar properties. This amino acid position is poorly conserved in available vertebrate species. In addition, this alteration is predicted to be tolerated by in silico analysis. Since supporting evidence is limited at this time, the clinical significance of this alteration remains unclear.